The following is an entry in ClinVar:

ClinVar aggregate classification (germline): Benign/Likely benign. Review status: criteria provided, multiple submitters, no conflicts (2 of 4 stars). 3 submissions from 3 submitters: Benign (1); Likely benign (2). Last evaluated 2025-02-10.

Conditions:
Hereditary cancer-predisposing syndrome. Also called: Hereditary neoplastic syndrome; Neoplastic Syndromes, Hereditary; Tumor predisposition; Hereditary Cancer Syndrome. Identifiers: Orphanet 140162, MedGen C0027672, MeSH D009386, MONDO:0015356.
Colorectal cancer, susceptibility to, 12 (CRCS12). Also called: COLORECTAL CANCER, SUSCEPTIBILITY TO, ON CHROMOSOME 12q24. Identifiers: Orphanet 220460, MedGen C3554460, MONDO:0014038, OMIM 615083.

Allele frequency attached by ClinVar (database versions not stated): gnomAD exomes below 0.00001.
gnomAD v4.1: 2 of 1,614,190 alleles (0.00012%); highest among the groups gnomAD compares: East Asian, 0.0022%; no homozygotes.

Submissions (3):

Myriad Genetics, Inc.
Classification: Benign for Colorectal cancer, susceptibility to, 12. Last evaluated: 2025-02-10. Review status: criteria provided, single submitter. Criteria: Myriad Autosomal Dominant, Autosomal Recessive and X-Linked Classification Criteria (2023). Collection method: clinical testing. Allele origin: unknown.
Comment: This variant is considered benign. This variant is a silent/synonymous amino acid change and it is not expected to impact splicing.

Labcorp Genetics (formerly Invitae), Labcorp
Classification: Likely benign. Last evaluated: 2024-04-14. Review status: criteria provided, single submitter. Criteria: Invitae Variant Classification Sherloc (09022015). Collection method: clinical testing. Allele origin: germline.

Ambry Genetics
Classification: Likely benign for Hereditary cancer-predisposing syndrome. Last evaluated: 2022-04-24. Review status: criteria provided, single submitter. Criteria: Ambry Variant Classification Scheme 2023. Collection method: clinical testing. Allele origin: germline.

NM_006231.4(POLE):c.1170G>A (p.Gln390=)

Gene: POLE (DNA polymerase epsilon, catalytic subunit; minus strand). Cytogenetic location: 12q24.33.
Variant type: single nucleotide variant.
Coding change: c.1170G>A on transcript NM_006231.4 (MANE Select); coding-DNA position 1170, G replaced by A.
Protein change: p.Gln390=; no amino-acid change (glutamine 390 retained).
Molecular consequence: synonymous variant.
Genome position (GRCh38, 1-based): chr12:132,675,454, C>T on the plus strand (G>A on the coding strand, the complement: POLE is on the minus strand). VCF-style: chr12-132675454-C-T. GRCh37 (hg19) VCF-style: chr12-133252040-C-T.
Identifiers: ClinVar variation 1147641 (VCV001147641.12), dbSNP rs2136008912, ClinGen allele CA482849676.